The following is an entry in ClinVar:

ClinVar aggregate classification (germline): Benign/Likely benign. Review status: criteria provided, multiple submitters, no conflicts (2 of 4 stars). 5 submissions from 5 submitters: Benign (1); Likely benign (4). Last evaluated 2026-08-01.

Conditions:
Inborn genetic diseases. Identifiers: MedGen C0950123, MeSH D030342.

Allele frequency attached by ClinVar (database versions not stated): 1000 Genomes Project 30x 0.00016; gnomAD exomes 0.00047 and 0.00093; ESP Exome Variant Server 0.00048; gnomAD 0.00053; TOPMed 0.00068; ExAC 0.00072.

Submissions (5):

CeGaT Center for Human Genetics Tuebingen
Classification: Likely benign. Last evaluated: 2026-08-01. Review status: criteria provided, single submitter. Criteria: CeGaT Center For Human Genetics Tuebingen Variant Classification Criteria Version 2. Collection method: clinical testing. Allele origin: germline. Affected: yes. Observed: 4 variant alleles.
Comment: KCNH1: PP3, BS1

Labcorp Genetics (formerly Invitae), Labcorp
Classification: Likely benign. Last evaluated: 2025-12-05. Review status: criteria provided, single submitter. Criteria: Invitae Variant Classification Sherloc (09022015). Collection method: clinical testing. Allele origin: germline.

Blueprint Genetics
Classification: Likely benign. Last evaluated: 2024-10-16. Review status: criteria provided, single submitter. Criteria: ACMG Guidelines, 2015. Collection method: clinical testing. Allele origin: germline.

Ambry Genetics
Classification: Likely benign for Inborn genetic diseases. Last evaluated: 2023-07-31. Review status: criteria provided, single submitter. Criteria: Ambry Variant Classification Scheme 2023. Collection method: clinical testing. Allele origin: germline.

GeneDx
Classification: Benign. Last evaluated: 2019-02-27. Review status: criteria provided, single submitter. Criteria: GeneDx Variant Classification Process June 2021. Collection method: clinical testing. Allele origin: germline. Affected: yes.

NM_172362.3(KCNH1):c.79_79+3dup

Gene: KCNH1 (potassium voltage-gated channel subfamily H member 1; minus strand). Cytogenetic location: 1q32.2.
Variant type: Duplication.
Coding change: c.79_79+3dup on transcript NM_172362.3 (MANE Select); coding-DNA position 79 through 3 bases into the intron after coding-DNA position 79, 4 bases duplicated (GGTA; older notation c.79_79+3dupGGTA).
Molecular consequence: splice donor variant.
Genome position (GRCh38, 1-based): chr1:211,133,864-211,133,867, TACC duplicated on the plus strand (GGTA on the coding strand, the reverse complement: KCNH1 is on the minus strand). VCF-style (leftmost placement, unchanged base first): chr1-211133863-T-TTACC. GRCh37 (hg19) VCF-style: chr1-211307205-T-TTACC.
Other names: c.79_79+3dup (NM_002238.4); c.79_79+3dupGGTA (NM_172362.2).
Identifiers: ClinVar variation 767317 (VCV000767317.38), dbSNP rs777147129, ClinGen allele CA1380136.
Genomic context (GRCh38, chr1:211,133,863, plus strand): 5'-GAGGTTCTGCAATAAAGGCACGGATAAAACGCCCGGGTAATCGAAATCCGAATGCACCTC[T>TTACC]TACCATTGGACCGCCGAACAATATTCTCCAGAAACGTGTTTTGAGGGGCCACTAGTCCCC-3'